The following is an entry in ClinVar:

NM_001142800.2(EYS):c.7423G>A (p.Asp2475Asn)

Gene: EYS (eyes shut homolog; minus strand). Cytogenetic location: 6q12.
Variant type: single nucleotide variant.
Coding change: c.7423G>A on transcript NM_001142800.2 (MANE Select); coding-DNA position 7423, G replaced by A.
Protein change: p.Asp2475Asn; replaces aspartic acid 2475 with asparagine.
Molecular consequence: missense variant.
Genome position (GRCh38, 1-based): chr6:63,789,213, C>T on the plus strand (G>A on the coding strand, the complement: EYS is on the minus strand). VCF-style: chr6-63789213-C-T. GRCh37 (hg19) VCF-style: chr6-64499106-C-T.
Other names: c.7423G>A, p.Asp2475Asn (NM_001292009.2); short protein forms D2475N.
Identifiers: ClinVar variation 1046177 (VCV001046177.3), dbSNP rs140594243, ClinGen allele CA140244038.

ClinVar aggregate classification (germline): Uncertain significance. Review status: criteria provided, single submitter (1 of 4 stars). 2 submissions from 2 submitters: Uncertain significance (1). 1 of the submissions does not count toward it. Last evaluated 2022-08-09.

Conditions:
Retinitis pigmentosa 25 (RP25). Identifiers: Orphanet 791, MedGen C1864446, MONDO:0011272, OMIM 602772.

Allele frequency attached by ClinVar (database versions not stated): TOPMed 0.00001.
gnomAD v4.1: 12 of 1,551,474 alleles (0.00077%); highest among the groups gnomAD compares: Admixed American, 0.0039%; no homozygotes.

Submissions (2):

Labcorp Genetics (formerly Invitae), Labcorp
Classification: Uncertain significance. Last evaluated: 2022-08-09. Review status: criteria provided, single submitter. Criteria: Invitae Variant Classification Sherloc (09022015). Collection method: clinical testing. Allele origin: germline.
Comment: This sequence change replaces aspartic acid, which is acidic and polar, with asparagine, which is neutral and polar, at codon 2475 of the EYS protein (p.Asp2475Asn). This variant is present in population databases (no rsID available, gnomAD 0.005%). This variant has not been reported in the literature in individuals affected with EYS-related conditions. ClinVar contains an entry for this variant (Variation ID: 1046177). Algorithms developed to predict the effect of missense changes on protein structure and function are either unavailable or do not agree on the potential impact of this missense change (SIFT: "Deleterious"; PolyPhen-2: "Probably Damaging"; Align-GVGD: "Class C15"). In summary, the available evidence is currently insufficient to determine the role of this variant in disease. Therefore, it has been classified as a Variant of Uncertain Significance.

Natera, Inc.
Classification: Uncertain significance for Retinitis pigmentosa type 25. Last evaluated: 2021-03-15. Review status: no assertion criteria provided. Collection method: clinical testing. Allele origin: germline. Not counted in ClinVar's aggregate classification.